The following is an entry in ClinVar:

ClinVar aggregate classification (germline): Pathogenic. Review status: criteria provided, multiple submitters, no conflicts (2 of 4 stars). 2 submissions from 2 submitters: Pathogenic (2). Last evaluated 2024-03-27.

Conditions:
Ciliopathy. Also called: Ciliopathies. Identifiers: Orphanet 363250, MedGen C4277690, MONDO:0005308, MeSH D000072661.
Meckel-Gruber syndrome. Also called: Dysencephalia splachnocystica; DYSENCEPHALIA SPLANCHNOCYSTICA; GRUBER SYNDROME. Identifiers: Orphanet 564, MedGen C0265215, MONDO:0018921.
Joubert syndrome. Also called: Familial aplasia of the vermis; JOUBERT-BOLTSHAUSER SYNDROME. Identifiers: Orphanet 475, MedGen C5979921, MONDO:0018772.

Allele frequency attached by ClinVar (database versions not stated): TOPMed below 0.00001; gnomAD 0.00001.

Submissions (2):

Labcorp Genetics (formerly Invitae), Labcorp
Classification: Pathogenic for Joubert syndrome; Meckel-Gruber syndrome. Last evaluated: 2024-03-27. Review status: criteria provided, single submitter. Criteria: Invitae Variant Classification Sherloc (09022015). Collection method: clinical testing. Allele origin: germline.
Comment: This sequence change creates a premature translational stop signal (p.Asp286Serfs*18) in the MKS1 gene. It is expected to result in an absent or disrupted protein product. Loss-of-function variants in MKS1 are known to be pathogenic (PMID: 19466712, 24886560, 26490104). This variant is not present in population databases (gnomAD no frequency). This variant has not been reported in the literature in individuals affected with MKS1-related conditions. ClinVar contains an entry for this variant (Variation ID: 1442592). For these reasons, this variant has been classified as Pathogenic.

Myriad Genetics, Inc.
Classification: Pathogenic for Ciliopathy. Last evaluated: 2023-11-10. Review status: criteria provided, single submitter. Criteria: Myriad Autosomal Dominant, Autosomal Recessive and X-Linked Classification Criteria (2023). Collection method: clinical testing. Allele origin: unknown.
Comment: NM_017777.3(MKS1):c.856_857delGA(D286Sfs*18) is expected to be pathogenic in the context of MKS1-related disorders. This variant is predicted to lead to an abnormal or absent protein product due to the creation of a premature termination codon in MKS1, a gene where loss-of-function variants are known to be pathogenic. Please note: this variant was assessed in the context of healthy population screening.

Literature cited by the submitters: PubMed 19466712 (cited by Labcorp Genetics (formerly Invitae), Labcorp); PubMed 24886560 (cited by Labcorp Genetics (formerly Invitae), Labcorp); PubMed 26490104 (cited by Labcorp Genetics (formerly Invitae), Labcorp).

NM_017777.4(MKS1):c.856_857del (p.Asp286fs)

Gene: MKS1 (MKS transition zone complex subunit 1; minus strand). Cytogenetic location: 17q22.
Variant type: Deletion.
Coding change: c.856_857del on transcript NM_017777.4 (MANE Select); coding-DNA positions 856 to 857, 2 bases deleted (GA; older notation c.856_857delGA).
Protein change: p.Asp286fs; shifts the reading frame from aspartic acid 286.
Molecular consequence: frameshift variant.
Genome position (GRCh38, 1-based): chr17:58,212,983-58,212,984, TC deleted on the plus strand (GA on the coding strand, the reverse complement: MKS1 is on the minus strand). VCF-style (leftmost placement, unchanged base first): chr17-58212982-ATC-A. GRCh37 (hg19) VCF-style: chr17-56290343-ATC-A.
Other names: c.247_248del, p.Asp83fs (NM_001321268.2); c.856_857del, p.Asp286fs (NM_001321269.2, NM_001330397.2); short protein forms D83fs, D286fs.
Identifiers: ClinVar variation 1442592 (VCV001442592.7), dbSNP rs1968963177, ClinGen allele CA985003678.
Genomic context (GRCh38, chr17:58,212,982, plus strand): 5'-GGTCTCAGCTCCAGGCACTGAGGCTCATCCCTTGGATACTTGGAATGAACTTGCGCTTAC[ATC>A]CTTGAACACTCGCCGTTCCCGCTCCTCCTCCTCCGGCTGTGCGTGGGGGGAAACATTGTC-3'